The following is an entry in ClinVar:

NM_000497.4(CYP11B1):c.844C>T (p.Arg282Cys)

Genes: CYP11B1 (cytochrome P450 family 11 subfamily B member 1; minus strand), LOC106799833 (CYP11B1 recombination region; plus strand). Cytogenetic location: 8q24.3.
Variant type: single nucleotide variant.
Coding change: c.844C>T on transcript NM_000497.4 (MANE Select); coding-DNA position 844, C replaced by T.
Protein change: p.Arg282Cys; replaces arginine 282 with cysteine.
Molecular consequence: missense variant.
Genome position (GRCh38, 1-based): chr8:142,876,351, G>A on the plus strand (C>T on the coding strand, the complement: CYP11B1 is on the minus strand). VCF-style: chr8-142876351-G-A. GRCh37 (hg19) VCF-style: chr8-143957767-G-A.
Other names: c.844C>T, p.Arg282Cys (NM_001026213.1); short protein forms R282C.
Identifiers: ClinVar variation 2075863 (VCV002075863.2), dbSNP rs557707841, ClinGen allele CA4905281.
Genomic context (GRCh38, chr8:142,876,351, plus strand): 5'-CTGGCGACAGTTCCGCATTCAACAGGAGCTCCGCCACGATGCTGGTGTACTGTTGAGGGC[G>A]GCTGAAGGCCAGTTCCTGATAGATTTTCTGGATACAGTTGTCGCCTATCCGGGGAGCGGG-3'
Protein context (NP_000488.3, residues 272-292): QKIYQELAFS[Arg282Cys]PQQYTSIVAE

ClinVar aggregate classification (germline): Uncertain significance (1 of 4 stars; one submission).

Allele frequency attached by ClinVar (database versions not stated): gnomAD 0.00002; TOPMed 0.00003; ExAC 0.00005; 1000 Genomes Project 0.00020; 1000 Genomes Project 30x 0.00031.

Submission:

Labcorp Genetics (formerly Invitae), Labcorp
Classification: Uncertain significance. Last evaluated: 2025-09-08. Review status: criteria provided, single submitter. Criteria: Invitae Variant Classification Sherloc (09022015). Collection method: clinical testing. Allele origin: germline.
Comment: This sequence change replaces arginine, which is basic and polar, with cysteine, which is neutral and slightly polar, at codon 282 of the CYP11B1 protein (p.Arg282Cys). This variant is present in population databases (rs557707841, gnomAD 0.02%). This variant has not been reported in the literature in individuals affected with CYP11B1-related conditions. ClinVar contains an entry for this variant (Variation ID: 2075863). Invitae Evidence Modeling of protein sequence and biophysical properties (such as structural, functional, and spatial information, amino acid conservation, physicochemical variation, residue mobility, and thermodynamic stability) indicates that this missense variant is not expected to disrupt CYP11B1 protein function with a negative predictive value of 95%. In summary, the available evidence is currently insufficient to determine the role of this variant in disease. Therefore, it has been classified as a Variant of Uncertain Significance.